The following is an entry in ClinVar:

NM_002397.5(MEF2C):c.258+7G>C

Gene: MEF2C (myocyte enhancer factor 2C; minus strand). Cytogenetic location: 5q14.3.
Variant type: single nucleotide variant.
Coding change: c.258+7G>C on transcript NM_002397.5 (MANE Select); 7 bases into the intron after coding-DNA position 258, G replaced by C.
Molecular consequence: intron variant.
Genome position (GRCh38, 1-based): chr5:88,804,591, C>G on the plus strand (G>C on the coding strand, the complement: MEF2C is on the minus strand). VCF-style: chr5-88804591-C-G. GRCh37 (hg19) VCF-style: chr5-88100408-C-G.
Other names: c.258+7G>C (NM_001364329.2, NM_001364330.2, NM_001364333.2 and 29 more transcripts).
Identifiers: ClinVar variation 384865 (VCV000384865.9), dbSNP rs372739987, ClinGen allele CA3337363.

ClinVar aggregate classification (germline): Likely benign. Review status: criteria provided, multiple submitters, no conflicts (2 of 4 stars). 2 submissions from 2 submitters: Likely benign (2). Last evaluated 2025-12-21.

Conditions:
Neurodevelopmental disorder with hypotonia, stereotypic hand movements, and impaired language. Also called: Intellectual disability, autosomal dominant 20. Identifiers: Orphanet 228384, Orphanet 664410, MedGen C3150700, MONDO:0013266, OMIM 613443.

Allele frequency attached by ClinVar (database versions not stated): ESP Exome Variant Server 0.00008; gnomAD 0.00010; TOPMed 0.00003.
gnomAD v4.1: 71 of 1,613,340 alleles (0.0044%); highest among the groups gnomAD compares: Admixed American, 0.018%; no homozygotes.

Submissions (2):

Labcorp Genetics (formerly Invitae), Labcorp
Classification: Likely benign for Neurodevelopmental disorder with hypotonia, stereotypic hand movements, and impaired language. Last evaluated: 2025-12-21. Review status: criteria provided, single submitter. Criteria: Invitae Variant Classification Sherloc (09022015). Collection method: clinical testing. Allele origin: germline.

GeneDx
Classification: Likely benign. Last evaluated: 2017-10-13. Review status: criteria provided, single submitter. Criteria: GeneDx Variant Classification (06012015). Collection method: clinical testing. Allele origin: germline. Affected: yes.
Comment: This variant is considered likely benign or benign based on one or more of the following criteria: it is a conservative change, it occurs at a poorly conserved position in the protein, it is predicted to be benign by multiple in silico algorithms, and/or has population frequency not consistent with disease.